The following is an entry in ClinVar:

ClinVar aggregate classification (germline): Likely pathogenic (1 of 4 stars; one submission).

Conditions:
Severe X-linked myotubular myopathy (CNMX). Also called: MYOTUBULAR MYOPATHY 1; Myotubular myopathy, X-linked; X-linked centronuclear myopathy. Identifiers: Orphanet 596, MedGen C0410203, MONDO:0010683, OMIM 310400.

Submission:

Myriad Genetics, Inc.
Classification: Likely pathogenic for Severe X-linked myotubular myopathy. Last evaluated: 2021-12-08. Review status: criteria provided, single submitter. Criteria: Myriad Women's Health Autosomal Recessive and X-Linked Classification Criteria (2021). Collection method: clinical testing. Allele origin: unknown.
Comment: NM_000252.2(MTM1):c.1022T>A(L341*) is expected to be pathogenic in the context of X-linked myotubular myopathy. This variant is predicted to lead to an abnormal or absent protein product due to the creation of a premature termination codon in MTM1, a gene where loss-of-function variants are known to be pathogenic. Please note: this variant was assessed in the context of healthy population screening.

NM_000252.3(MTM1):c.1022T>A (p.Leu341Ter)

Gene: MTM1 (myotubularin 1; plus strand). Cytogenetic location: Xq28.
Variant type: single nucleotide variant.
Coding change: c.1022T>A on transcript NM_000252.3 (MANE Select); coding-DNA position 1022, T replaced by A.
Protein change: p.Leu341Ter; replaces leucine 341 with a stop codon.
Molecular consequence: nonsense.
Genome position (GRCh38, 1-based): chrX:150,649,870, T>A. VCF-style: chrX-150649870-T-A. GRCh37 (hg19) VCF-style: chrX-149818343-T-A.
Other names: c.1022T>A, p.Leu341Ter (NM_001376906.1, NM_001376908.1); c.911T>A, p.Leu304Ter (NM_001376907.1); short protein forms L304*, L341*.
Identifiers: ClinVar variation 1725831 (VCV001725831.2), dbSNP rs2522399938, ClinGen allele CA415257271.